The following is an entry in ClinVar:

ClinVar aggregate classification (germline): Benign/Likely benign. Review status: criteria provided, multiple submitters, no conflicts (2 of 4 stars). 4 submissions from 4 submitters: Benign (1); Likely benign (3). Last evaluated 2024-06-12.

Conditions:
Hereditary cancer-predisposing syndrome. Also called: Neoplastic Syndromes, Hereditary; Hereditary neoplastic syndrome; Tumor predisposition; Hereditary Cancer Syndrome. Identifiers: Orphanet 140162, MedGen C0027672, MeSH D009386, MONDO:0015356.
Familial cancer of breast. Also called: hereditary breast carcinoma; Hereditary breast cancer; BREAST CANCER, FAMILIAL. Identifiers: Orphanet 227535, MedGen C0346153, MONDO:0016419, OMIM 114480. Disease mechanism: loss of function.
Ataxia-telangiectasia syndrome (AT). Also called: Ataxia telangiectasia (A-T); Cerebello-oculocutaneous telangiectasia; Immunodeficiency with ataxia telangiectasia; LOUIS-BAR SYNDROME; AT, COMPLEMENTATION GROUP C; ATAXIA-TELANGIECTASIA, FRESNO VARIANT. Identifiers: Orphanet 100, MedGen C0004135, MONDO:0008840, OMIM 208900.

Allele frequency attached by ClinVar (database versions not stated): gnomAD 0.00001; TOPMed below 0.00001.
gnomAD v4.1: 1 of 1,614,060 alleles (0.000062%); highest among the groups gnomAD compares: African/African-American, 0.0013%; no homozygotes.

Submissions (4):

Myriad Genetics, Inc.
Classification: Benign for Familial cancer of breast. Last evaluated: 2024-06-12. Review status: criteria provided, single submitter. Criteria: Myriad Autosomal Dominant, Autosomal Recessive and X-Linked Classification Criteria (2023). Collection method: clinical testing. Allele origin: unknown.
Comment: This variant is considered benign. This variant is a silent/synonymous amino acid change and it is not expected to impact splicing.

Color Diagnostics, LLC DBA Color Health
Classification: Likely benign for Hereditary cancer-predisposing syndrome. Last evaluated: 2024-05-03. Review status: criteria provided, single submitter. Criteria: ACMG Guidelines, 2015. Collection method: clinical testing. Allele origin: germline.

Labcorp Genetics (formerly Invitae), Labcorp
Classification: Likely benign for Ataxia-telangiectasia syndrome. Last evaluated: 2024-04-05. Review status: criteria provided, single submitter. Criteria: Invitae Variant Classification Sherloc (09022015). Collection method: clinical testing. Allele origin: germline.

Ambry Genetics
Classification: Likely benign for Hereditary cancer-predisposing syndrome. Last evaluated: 2015-08-19. Review status: criteria provided, single submitter. Criteria: Ambry Variant Classification Scheme 2023. Collection method: clinical testing. Allele origin: germline.

NM_000051.4(ATM):c.6927G>T (p.Leu2309=)

Genes: C11orf65 (chromosome 11 open reading frame 65; minus strand), ATM (ATM serine/threonine kinase; plus strand). Cytogenetic location: 11q22.3.
Variant type: single nucleotide variant.
Coding change: c.6927G>T on transcript NM_000051.4 (MANE Select); coding-DNA position 6927, G replaced by T.
Protein change: p.Leu2309=; no amino-acid change (leucine 2309 retained).
Molecular consequence: synonymous variant. On other transcripts: intron variant (2).
Genome position (GRCh38, 1-based): chr11:108,326,177, G>T. VCF-style: chr11-108326177-G-T. GRCh37 (hg19) VCF-style: chr11-108196904-G-T.
Other names: c.6927G>T, p.Leu2309= (NM_001351834.2); c.641-17106C>A (NM_001330368.2); c.*38+9043C>A (NM_001351110.2).
Identifiers: ClinVar variation 233471 (VCV000233471.16), dbSNP rs876660429, ClinGen allele CA10579240.
Genomic context (GRCh38, chr11:108,326,177, plus strand): 5'-TGAGTGGCAGCTGGAAGAAGCACAAGTATTCTGGGCAAAAAAGGAGCAGAGTCTTGCCCT[G>T]AGTATTCTCAAGCAAATGATCAAGAAGTTGGATGCCAGCTGTGCAGCGGTTTGTTTTTTT-3'
Protein context (NP_000042.3, residues 2299-2319): FWAKKEQSLA[Leu2309=]SILKQMIKKL